The following is an entry in ClinVar:

ClinVar aggregate classification (germline): Benign/Likely benign. Review status: criteria provided, multiple submitters, no conflicts (2 of 4 stars). 4 submissions from 4 submitters: Benign (1); Likely benign (3). Last evaluated 2025-01-08.

Conditions:
Classic or attenuated familial adenomatous polyposis. Identifiers: MedGen CN372698, MONDO:0021057.
Hereditary cancer-predisposing syndrome. Also called: Tumor predisposition; Neoplastic Syndromes, Hereditary; Hereditary Cancer Syndrome; Hereditary neoplastic syndrome. Identifiers: Orphanet 140162, MedGen C0027672, MeSH D009386, MONDO:0015356.
Familial adenomatous polyposis 1 (FAP1). Also called: FAMILIAL ADENOMATOUS POLYPOSIS 1, ATTENUATED; POLYPOSIS, ADENOMATOUS INTESTINAL. Identifiers: MedGen C2713442, MONDO:0021056, OMIM 175100. Disease mechanism: loss of function.

gnomAD v4.1: 2 of 1,612,676 alleles (0.00012%); highest among the groups gnomAD compares: African/African-American, 0.0027%; no homozygotes.

Submissions (4):

Labcorp Genetics (formerly Invitae), Labcorp
Classification: Likely benign for Familial adenomatous polyposis 1. Last evaluated: 2025-01-08. Review status: criteria provided, single submitter. Criteria: Invitae Variant Classification Sherloc (09022015). Collection method: clinical testing. Allele origin: germline.

Myriad Genetics, Inc.
Classification: Benign for Familial adenomatous polyposis 1. Last evaluated: 2024-02-26. Review status: criteria provided, single submitter. Criteria: Myriad Autosomal Dominant, Autosomal Recessive and X-Linked Classification Criteria (2023). Collection method: clinical testing. Allele origin: unknown.
Comment: This variant is considered benign. This variant is a silent/synonymous amino acid change and it is not expected to impact splicing.

All of Us Research Program, National Institutes of Health
Classification: Likely benign for Classic or attenuated familial adenomatous polyposis. Last evaluated: 2023-03-07. Review status: criteria provided, single submitter. Criteria: ACMG Guidelines, 2015. Collection method: clinical testing. Allele origin: germline. Inheritance: Autosomal dominant inheritance. Observed: 1 variant allele, 1 heterozygote.
Comment: This study involves interpretation of variants in research participants for the purpose of population health screening. Participant phenotype was not available at the time of variant classification. Additional details can be found in publication PMID: 35346344, PMCID: PMC8962531

Ambry Genetics
Classification: Likely benign for Hereditary cancer-predisposing syndrome. Last evaluated: 2019-01-22. Review status: criteria provided, single submitter. Criteria: Ambry Variant Classification Scheme 2023. Collection method: clinical testing. Allele origin: germline.

NM_000038.6(APC):c.756C>G (p.Thr252=)

Gene: APC (APC regulator of Wnt signaling pathway; plus strand). Cytogenetic location: 5q22.2.
Variant type: single nucleotide variant.
Coding change: c.756C>G on transcript NM_000038.6 (MANE Select); coding-DNA position 756, C replaced by G.
Protein change: p.Thr252=; no amino-acid change (threonine 252 retained).
Molecular consequence: synonymous variant. On other transcripts: 5 prime UTR variant (1).
Genome position (GRCh38, 1-based): chr5:112,801,305, C>G. VCF-style: chr5-112801305-C-G. GRCh37 (hg19) VCF-style: chr5-112137002-C-G.
Other names: c.756C>G, p.Thr252= (NM_001127510.3, NM_001354895.2, NM_001354896.2 and 1 more transcripts); c.702C>G, p.Thr234= (NM_001127511.3); c.786C>G, p.Thr262= (NM_001354897.2, NM_001354902.2); c.681C>G, p.Thr227= (NM_001354898.2, NM_001354904.2); c.672C>G, p.Thr224= (NM_001354899.2); c.579C>G, p.Thr193= (NM_001354900.2, NM_001354901.2, NM_001354905.2); c.-280C>G (NM_001354906.2).
Identifiers: ClinVar variation 763684 (VCV000763684.15), dbSNP rs771535363, ClinGen allele CA445755617.